The following is an entry in ClinVar:

NM_018082.6(POLR3B):c.257A>C (p.Asp86Ala)

Gene: POLR3B (RNA polymerase III subunit B; plus strand). Cytogenetic location: 12q23.3.
Variant type: single nucleotide variant.
Coding change: c.257A>C on transcript NM_018082.6 (MANE Select); coding-DNA position 257, A replaced by C.
Protein change: p.Asp86Ala; replaces aspartic acid 86 with alanine.
Molecular consequence: missense variant.
Genome position (GRCh38, 1-based): chr12:106,369,304, A>C. VCF-style: chr12-106369304-A-C. GRCh37 (hg19) VCF-style: chr12-106763082-A-C.
Other names: c.83A>C, p.Asp28Ala (NM_001160708.2); short protein forms D28A, D86A.
Identifiers: ClinVar variation 1314326 (VCV001314326.2), dbSNP rs765643493, ClinGen allele CA386385698.

ClinVar aggregate classification (germline): Uncertain significance (1 of 4 stars; one submission).

gnomAD v4.1: 1 of 1,600,442 alleles (0.000062%); highest among the groups gnomAD compares: Non-Finnish European, 0.000086%; no homozygotes.

Submission:

GeneDx
Classification: Uncertain significance. Last evaluated: 2021-04-05. Review status: criteria provided, single submitter. Criteria: GeneDx Variant Classification Process June 2021. Collection method: clinical testing. Allele origin: germline. Affected: yes.
Comment: Not observed in large population cohorts (Lek et al., 2016); In silico analysis supports that this missense variant has a deleterious effect on protein structure/function; Has not been previously published as pathogenic or benign to our knowledge